The following is an entry in ClinVar:

ClinVar aggregate classification (germline): Uncertain significance (1 of 4 stars; one submission).

Submission:

Labcorp Genetics (formerly Invitae), Labcorp
Classification: Uncertain significance. Last evaluated: 2022-05-31. Review status: criteria provided, single submitter. Criteria: Invitae Variant Classification Sherloc (09022015). Collection method: clinical testing. Allele origin: germline.
Comment: This sequence change replaces histidine, which is basic and polar, with glutamine, which is neutral and polar, at codon 2479 of the HMCN1 protein (p.His2479Gln). This variant is not present in population databases (gnomAD no frequency). This variant has not been reported in the literature in individuals affected with HMCN1-related conditions. Algorithms developed to predict the effect of missense changes on protein structure and function (SIFT, PolyPhen-2, Align-GVGD) all suggest that this variant is likely to be tolerated. In summary, the available evidence is currently insufficient to determine the role of this variant in disease. Therefore, it has been classified as a Variant of Uncertain Significance.

NM_031935.3(HMCN1):c.7437T>A (p.His2479Gln)

Gene: HMCN1 (hemicentin 1; plus strand). Cytogenetic location: 1q31.1.
Variant type: single nucleotide variant.
Coding change: c.7437T>A on transcript NM_031935.3 (MANE Select); coding-DNA position 7437, T replaced by A.
Protein change: p.His2479Gln; replaces histidine 2479 with glutamine.
Molecular consequence: missense variant.
Genome position (GRCh38, 1-based): chr1:186,062,524, T>A. VCF-style: chr1-186062524-T-A. GRCh37 (hg19) VCF-style: chr1-186031656-T-A.
Other names: short protein forms H2479Q.
Identifiers: ClinVar variation 1997523 (VCV001997523.4), dbSNP rs2527756437, ClinGen allele CA343905119.
Genomic context (GRCh38, chr1:186,062,524, plus strand): 5'-GCAGCTTTGCTGTTAAGAGCTGTTATTTTGTTGTTGTTGTTGTTTTTTAGTACCACCTCA[T>A]ATTGTGGGTGAAAATACATTGGAAGATGTGAAGGTAAAAGAGAAACAGAGTGTTACGCTG-3'
Protein context (NP_114141.2, residues 2469-2489): IFGLSVLVPP[His2479Gln]IVGENTLEDV